The following is an entry in ClinVar:

NM_000891.3(KCNJ2):c.326T>A (p.Leu109His)

Gene: KCNJ2 (potassium inwardly rectifying channel subfamily J member 2; plus strand). Cytogenetic location: 17q24.3.
Variant type: single nucleotide variant.
Coding change: c.326T>A on transcript NM_000891.3 (MANE Select); coding-DNA position 326, T replaced by A.
Protein change: p.Leu109His; replaces leucine 109 with histidine.
Molecular consequence: missense variant.
Genome position (GRCh38, 1-based): chr17:70,175,365, T>A. VCF-style: chr17-70175365-T-A. GRCh37 (hg19) VCF-style: chr17-68171506-T-A.
Other names: short protein forms L109H.
Identifiers: ClinVar variation 2126580 (VCV002126580.4), dbSNP rs1567822991, ClinGen allele CA400860355.

ClinVar aggregate classification (germline): Uncertain significance (1 of 4 stars; one submission).

Conditions:
Andersen Tawil syndrome (LQT7). Also called: Andersen Syndrome; ANDERSEN CARDIODYSRHYTHMIC PERIODIC PARALYSIS; Potassium-sensitive periodic paralysis, ventricular ectopy, and dysmorphic features; LONG QT SYNDROME 7; PERIODIC PARALYSIS, POTASSIUM-SENSITIVE CARDIODYSRHYTHMIC TYPE. Identifiers: Orphanet 37553, MedGen C1563715, MONDO:0008222, OMIM 170390.
Short QT syndrome type 3. Identifiers: Orphanet 51083, MedGen C1865018, MONDO:0012314, OMIM 609622.

Submission:

Labcorp Genetics (formerly Invitae), Labcorp
Classification: Uncertain significance for Short QT syndrome type 3; Andersen Tawil syndrome. Last evaluated: 2022-04-15. Review status: criteria provided, single submitter. Criteria: Invitae Variant Classification Sherloc (09022015). Collection method: clinical testing. Allele origin: germline.
Comment: This variant is not present in population databases (gnomAD no frequency). This sequence change replaces leucine, which is neutral and non-polar, with histidine, which is basic and polar, at codon 109 of the KCNJ2 protein (p.Leu109His). This variant has not been reported in the literature in individuals affected with KCNJ2-related conditions. In summary, the available evidence is currently insufficient to determine the role of this variant in disease. Therefore, it has been classified as a Variant of Uncertain Significance. Algorithms developed to predict the effect of missense changes on protein structure and function are either unavailable or do not agree on the potential impact of this missense change (SIFT: "Tolerated"; PolyPhen-2: "Probably Damaging"; Align-GVGD: "Class C0").